The following is an entry in ClinVar:

ClinVar aggregate classification (germline): Conflicting classifications of pathogenicity. Review status: criteria provided, conflicting classifications (1 of 4 stars). 4 submissions from 4 submitters: Uncertain significance (3); Likely benign (1). Last evaluated 2024-11-03.

Conditions:
Familial cancer of breast. Also called: BREAST CANCER, FAMILIAL; Hereditary breast cancer; hereditary breast carcinoma. Identifiers: Orphanet 227535, MedGen C0346153, MONDO:0016419, OMIM 114480. Disease mechanism: loss of function.
Hereditary cancer-predisposing syndrome. Also called: Tumor predisposition; Hereditary Cancer Syndrome; Hereditary neoplastic syndrome; Neoplastic Syndromes, Hereditary. Identifiers: Orphanet 140162, MedGen C0027672, MeSH D009386, MONDO:0015356.

Allele frequency attached by ClinVar (database versions not stated): gnomAD exomes below 0.00001; TOPMed 0.00001.
gnomAD v4.1: 5 of 1,614,196 alleles (0.00031%); highest among the groups gnomAD compares: Non-Finnish European, 0.00034%; no homozygotes.

Submissions (4):

Labcorp Genetics (formerly Invitae), Labcorp
Classification: Uncertain significance for Familial cancer of breast. Last evaluated: 2024-11-03. Review status: criteria provided, single submitter. Criteria: Invitae Variant Classification Sherloc (09022015). Collection method: clinical testing. Allele origin: germline.
Comment: This sequence change replaces threonine, which is neutral and polar, with proline, which is neutral and non-polar, at codon 243 of the PALB2 protein (p.Thr243Pro). This variant is not present in population databases (gnomAD no frequency). This variant has not been reported in the literature in individuals affected with PALB2-related conditions. ClinVar contains an entry for this variant (Variation ID: 410127). An algorithm developed to predict the effect of missense changes on protein structure and function outputs the following: PolyPhen-2: "Benign". The proline amino acid residue is found in multiple mammalian species, which suggests that this missense change does not adversely affect protein function. In summary, the available evidence is currently insufficient to determine the role of this variant in disease. Therefore, it has been classified as a Variant of Uncertain Significance.

Color Diagnostics, LLC DBA Color Health
Classification: Uncertain significance for Hereditary cancer-predisposing syndrome. Last evaluated: 2024-08-14. Review status: criteria provided, single submitter. Criteria: ACMG Guidelines, 2015. Collection method: clinical testing. Allele origin: germline.
Comment: This missense variant replaces threonine with proline at codon 243 of the PALB2 protein. Computational prediction suggests that this variant may not impact protein structure and function. To our knowledge, functional studies have not been reported for this variant. This variant has been detected in a breast cancer case-control meta-analysis in 1/60466 cases and 0/53461 unaffected individuals (PMID: 33471991; Leiden Open Variation Database DB-ID PALB2_011135). This variant has not been identified in the general population by the Genome Aggregation Database (gnomAD). The available evidence is insufficient to determine the role of this variant in disease conclusively. Therefore, this variant is classified as a Variant of Uncertain Significance.

GeneDx
Classification: Uncertain significance. Last evaluated: 2023-10-08. Review status: criteria provided, single submitter. Criteria: GeneDx Variant Classification Process June 2021. Collection method: clinical testing. Allele origin: germline. Affected: yes.
Comment: Not observed at significant frequency in large population cohorts (gnomAD); In silico analysis supports that this missense variant does not alter protein structure/function; Has not been previously published as pathogenic or benign to our knowledge; This variant is associated with the following publications: (PMID: 19369211)

Ambry Genetics
Classification: Likely benign for Hereditary cancer-predisposing syndrome. Last evaluated: 2018-12-31. Review status: criteria provided, single submitter. Criteria: Ambry Variant Classification Scheme 2023. Collection method: clinical testing. Allele origin: germline.

Literature cited by the submitters: PubMed 33471991 (cited by Color Diagnostics, LLC DBA Color Health).

NM_024675.4(PALB2):c.727A>C (p.Thr243Pro)

Gene: PALB2 (partner and localizer of BRCA2; minus strand). Cytogenetic location: 16p12.2.
Variant type: single nucleotide variant.
Coding change: c.727A>C on transcript NM_024675.4 (MANE Select); coding-DNA position 727, A replaced by C.
Protein change: p.Thr243Pro; replaces threonine 243 with proline.
Molecular consequence: missense variant.
Genome position (GRCh38, 1-based): chr16:23,635,819, T>G on the plus strand (A>C on the coding strand, the complement: PALB2 is on the minus strand). VCF-style: chr16-23635819-T-G. GRCh37 (hg19) VCF-style: chr16-23647140-T-G.
Other names: short protein forms T243P.
Identifiers: ClinVar variation 410127 (VCV000410127.19), dbSNP rs1060502747, ClinGen allele CA16615106.